The following is an entry in ClinVar:

NM_000051.4(ATM):c.4708del (p.Val1570fs)

Gene: ATM (ATM serine/threonine kinase; plus strand). Cytogenetic location: 11q22.3.
Variant type: Deletion.
Coding change: c.4708del on transcript NM_000051.4 (MANE Select); coding-DNA position 4708, one base deleted (G; older notation c.4708delG).
Protein change: p.Val1570fs; shifts the reading frame from valine 1570.
Molecular consequence: frameshift variant.
Genome position (GRCh38, 1-based): chr11:108,293,409, G deleted. VCF-style (leftmost placement, unchanged base first): chr11-108293408-TG-T. GRCh37 (hg19) VCF-style: chr11-108164135-TG-T.
Other names: c.4708del, p.Val1570fs (NM_001351834.2); short protein forms V1570fs.
Identifiers: ClinVar variation 3450990 (VCV003450990.1).

ClinVar aggregate classification (germline): Pathogenic (1 of 4 stars; one submission).

Conditions:
Hereditary cancer-predisposing syndrome. Also called: Tumor predisposition; Neoplastic Syndromes, Hereditary; Hereditary neoplastic syndrome; Hereditary Cancer Syndrome. Identifiers: Orphanet 140162, MedGen C0027672, MeSH D009386, MONDO:0015356.

Submission:

Ambry Genetics
Classification: Pathogenic for Hereditary cancer-predisposing syndrome. Last evaluated: 2024-09-16. Review status: criteria provided, single submitter. Criteria: Ambry Variant Classification Scheme 2023. Collection method: clinical testing. Allele origin: germline.
Comment: The c.4708delG pathogenic mutation, located in coding exon 30 of the ATM gene, results from a deletion of one nucleotide at nucleotide position 4708, causing a translational frameshift with a predicted alternate stop codon (p.V1570Ffs*31). This variant is considered to be rare based on population cohorts in the Genome Aggregation Database (gnomAD). This alteration is expected to result in loss of function by premature protein truncation or nonsense-mediated mRNA decay. As such, this alteration is interpreted as a disease-causing mutation.